The following is an entry in ClinVar:

NM_001370100.5(ZMYND11):c.1581dup (p.Cys528fs)

Genes: ZMYND11 (zinc finger MYND-type containing 11; plus strand), LOC126860802 (BRD4-independent group 4 enhancer GRCh37_chr10:294268-295467; plus strand). Cytogenetic location: 10p15.3.
Variant type: Duplication.
Coding change: c.1581dup on transcript NM_001370100.5 (MANE Select); coding-DNA position 1581, one base duplicated (A; older notation c.1581dupA).
Protein change: p.Cys528fs; shifts the reading frame from cysteine 528.
Molecular consequence: frameshift variant. On other transcripts: non-coding transcript variant (1).
Genome position (GRCh38, 1-based): chr10:248,983, A duplicated; the last of 4 consecutive A bases (chr10:248,980-248,983); duplicating any one gives the same sequence. VCF-style (leftmost placement, unchanged base first): chr10-248979-G-GA. GRCh37 (hg19) VCF-style: chr10-294919-G-GA.
Other names: c.1581dup, p.Cys528fs (NM_001202468.1, NM_001370097.3, NM_001370098.2 and 4 more transcripts); c.1530dup, p.Cys511fs (NM_001330057.3, NM_001370112.2); c.1419dup, p.Cys474fs (NM_001370103.2, NM_001370104.2, NM_001370105.2 and 6 more transcripts); c.1326dup, p.Cys443fs (NM_001370110.2, NM_001202465.3); c.1416dup, p.Cys473fs (NM_001370111.2, NM_001202466.3); c.1488dup, p.Cys497fs (NM_001370113.2, NM_001370114.2); c.1578dup, p.Cys527fs (NM_001370115.2, NM_212479.4); c.1515dup, p.Cys506fs (NM_001370116.2); and 8 more; short protein forms C371fs, C409fs, C426fs, C434fs, C443fs, C452fs, C473fs, C474fs.
Identifiers: ClinVar variation 1064578 (VCV001064578.1), dbSNP rs2131978117, ClinGen allele CA2499220216.
Genomic context (GRCh38, chr10:248,979, plus strand): 5'-AAGAAGAAAAGAGACAAGCTGTAAATAAAGCTGTAGCCAACATGCAGGGTGAGATGGACA[G>GA]AAAATGTAAGCAAGTAAAGGAAAAGTGTAAGGAAGAATTTGTAGAAGAAATCAAGAAGCT-3'

ClinVar aggregate classification (germline): Likely pathogenic (1 of 4 stars; one submission).

Conditions:
Intellectual developmental disorder, autosomal dominant 30, with speech delay and behavioral abnormalities. Also called: Intellectual disability, autosomal dominant 30. Identifiers: Orphanet 436151, MedGen C4015167, MONDO:0014486, OMIM 616083.

Submission:

Institute of Human Genetics, University of Leipzig Medical Center
Classification: Likely pathogenic for Intellectual developmental disorder, autosomal dominant 30, with speech delay and behavioral abnormalities. Last evaluated: 2021-04-13. Review status: criteria provided, single submitter. Criteria: ACMG Guidelines, 2015. Collection method: clinical testing. Allele origin: maternal. Inheritance: Autosomal dominant inheritance. Affected: yes.
Comment: identified in an family with 3 affected